The following is an entry in ClinVar:

ClinVar aggregate classification (germline): Conflicting classifications of pathogenicity. Review status: criteria provided, conflicting classifications (1 of 4 stars). 3 submissions from 3 submitters: Uncertain significance (2); Likely benign (1). Last evaluated 2026-01-28.

Conditions:
Developmental and epileptic encephalopathy 94 (DEE94). Also called: Epileptic encephalopathy, childhood-onset; CHD2-Related Neurodevelopmental Disorders. Identifiers: Orphanet 1942, Orphanet 2382, MedGen C3809278, MONDO:0014150, OMIM 615369.

Allele frequency attached by ClinVar (database versions not stated): ExAC 0.00001; gnomAD exomes 0.00001 and 0.00002; TOPMed 0.00002; gnomAD 0.00004; 1000 Genomes Project 30x 0.00016; 1000 Genomes Project 0.00020.
gnomAD v4.1: 24 of 1,614,014 alleles (0.0015%); highest among the groups gnomAD compares: South Asian, 0.0033%; no homozygotes.

Submissions (3):

Labcorp Genetics (formerly Invitae), Labcorp
Classification: Uncertain significance for Developmental and epileptic encephalopathy 94. Last evaluated: 2026-01-28. Review status: criteria provided, single submitter. Criteria: Invitae Variant Classification Sherloc (09022015). Collection method: clinical testing. Allele origin: germline.
Comment: This sequence change replaces arginine, which is basic and polar, with glutamine, which is neutral and polar, at codon 1690 of the CHD2 protein (p.Arg1690Gln). This variant is present in population databases (rs564787975, gnomAD 0.006%). This variant has not been reported in the literature in individuals affected with CHD2-related conditions. ClinVar contains an entry for this variant (Variation ID: 421190). Invitae Evidence Modeling of protein sequence and biophysical properties (such as structural, functional, and spatial information, amino acid conservation, physicochemical variation, residue mobility, and thermodynamic stability) indicates that this missense variant is not expected to disrupt CHD2 protein function with a negative predictive value of 95%. In summary, the available evidence is currently insufficient to determine the role of this variant in disease. Therefore, it has been classified as a Variant of Uncertain Significance.

GeneDx
Classification: Likely benign. Last evaluated: 2019-02-11. Review status: criteria provided, single submitter. Criteria: GeneDx Variant Classification Process June 2021. Collection method: clinical testing. Allele origin: germline. Affected: yes.

Fulgent Genetics
Classification: Uncertain significance for Developmental and epileptic encephalopathy 94. Last evaluated: 2018-10-31. Review status: criteria provided, single submitter. Criteria: ACMG Guidelines, 2015. Collection method: clinical testing. Allele origin: unknown.

NM_001271.4(CHD2):c.5069G>A (p.Arg1690Gln)

Gene: CHD2 (chromodomain helicase DNA binding protein 2; plus strand). Cytogenetic location: 15q26.1.
Variant type: single nucleotide variant.
Coding change: c.5069G>A on transcript NM_001271.4 (MANE Select); coding-DNA position 5069, G replaced by A.
Protein change: p.Arg1690Gln; replaces arginine 1690 with glutamine.
Molecular consequence: missense variant.
Genome position (GRCh38, 1-based): chr15:93,020,174, G>A. VCF-style: chr15-93020174-G-A. GRCh37 (hg19) VCF-style: chr15-93563404-G-A.
Other names: short protein forms R1690Q.
Identifiers: ClinVar variation 421190 (VCV000421190.11), dbSNP rs564787975, ClinGen allele CA7748643.